The following is an entry in ClinVar:

ClinVar aggregate classification (germline): Uncertain significance (1 of 4 stars; one submission).

Submission:

Ambry Genetics
Classification: Uncertain significance. Last evaluated: 2025-09-25. Review status: criteria provided, single submitter. Criteria: Ambry Variant Classification Scheme 2023. Collection method: clinical testing. Allele origin: germline.
Comment: The p.R90G variant (also known as c.268C>G), located in coding exon 1 of the WNK2 gene, results from a C to G substitution at nucleotide position 268. The arginine at codon 90 is replaced by glycine, an amino acid with dissimilar properties. This amino acid position is conserved. In addition, this alteration is predicted to be tolerated by in silico analysis. Based on the available evidence, the clinical significance of this variant remains unclear.

NM_006648.4(WNK2):c.268C>G (p.Arg90Gly)

Gene: WNK2 (WNK lysine deficient protein kinase 2; plus strand). Cytogenetic location: 9q22.31.
Variant type: single nucleotide variant.
Coding change: c.268C>G on transcript NM_006648.4 (MANE Select); coding-DNA position 268, C replaced by G.
Protein change: p.Arg90Gly; replaces arginine 90 with glycine.
Molecular consequence: missense variant.
Genome position (GRCh38, 1-based): chr9:93,185,197, C>G. VCF-style: chr9-93185197-C-G. GRCh37 (hg19) VCF-style: chr9-95947479-C-G.
Other names: c.268C>G, p.Arg90Gly (NM_001282394.3); short protein forms R90G.
Identifiers: ClinVar variation 4605183 (VCV004605183.1).